The following is an entry in ClinVar:

ClinVar aggregate classification (germline): Benign (0 of 4 stars; one submission).

Conditions:
PRKAG3-related disorder. Also called: PRKAG3-related condition.

Allele frequency attached by ClinVar (database versions not stated): 1000 Genomes Project 30x 0.00125; 1000 Genomes Project 0.00140; TOPMed 0.00230; gnomAD 0.00246; ESP Exome Variant Server 0.00254; gnomAD exomes 0.00330; ExAC 0.00365.
gnomAD v4.1: 5,176 of 1,614,086 alleles (0.32%); highest among the groups gnomAD compares: South Asian, 0.42%; 17 homozygotes.

Submission:

PreventionGenetics, part of Exact Sciences
Classification: Benign for PRKAG3-related condition. Last evaluated: 2019-11-06. Review status: no assertion criteria provided. Collection method: clinical testing. Allele origin: germline.
Comment: This variant is classified as benign based on ACMG/AMP sequence variant interpretation guidelines (Richards et al. 2015 PMID: 25741868, with internal and published modifications).

NM_017431.4(PRKAG3):c.1453G>A (p.Asp485Asn)

Genes: PRKAG3 (protein kinase AMP-activated non-catalytic subunit gamma 3; minus strand), LOC126806514 (CDK7 strongly-dependent group 2 enhancer GRCh37_chr2:219687585-219688784; plus strand). Cytogenetic location: 2q35.
Variant type: single nucleotide variant.
Coding change: c.1453G>A on transcript NM_017431.4 (MANE Select); coding-DNA position 1453, G replaced by A.
Protein change: p.Asp485Asn; replaces aspartic acid 485 with asparagine.
Molecular consequence: missense variant.
Genome position (GRCh38, 1-based): chr2:218,823,779, C>T on the plus strand (G>A on the coding strand, the complement: PRKAG3 is on the minus strand). VCF-style: chr2-218823779-C-T. GRCh37 (hg19) VCF-style: chr2-219688502-C-T.
Other names: short protein forms D485N.
Identifiers: ClinVar variation 3052939 (VCV003052939.2), dbSNP rs149508864, ClinGen allele CA2112970.